The following is an entry in ClinVar:

ClinVar aggregate classification (germline): Benign (1 of 4 stars; one submission).

Conditions:
Danon disease. Also called: ANTOPOL DISEASE; PSEUDOGLYCOGENOSIS II; GSD IIb; LYSOSOMAL GLYCOGEN STORAGE DISEASE WITHOUT ACID MALTASE DEFICIENCY; Glycogen Storage Disease Type IIb. Identifiers: Orphanet 34587, MedGen C0878677, MONDO:0010281, OMIM 300257.

Allele frequency attached by ClinVar (database versions not stated): gnomAD 0.00743 and 0.00807; TOPMed 0.00880; 1000 Genomes Project 0.00954; 1000 Genomes Project 30x 0.00978.
gnomAD v4.1: 759 of 102,697 alleles (0.74%); highest among the groups gnomAD compares: African/African-American, 2.5%; 7 homozygotes.

Submission:

Illumina Laboratory Services, Illumina
Classification: Benign for Danon disease. Last evaluated: 2018-01-13. Review status: criteria provided, single submitter. Criteria: ICSL Variant Classification Criteria 13 December 2019. Collection method: clinical testing. Allele origin: germline.
Comment: This variant was observed in the ICSL laboratory as part of a predisposition screen in an ostensibly healthy population. It had not been previously curated by ICSL or reported in the Human Gene Mutation Database (HGMD: prior to June 1st, 2018), and was therefore a candidate for classification through an automated scoring system. Utilizing variant allele frequency, disease prevalence and penetrance estimates, and inheritance mode, an automated score was calculated to assess if this variant is too frequent to cause the disease. Based on the score and internal cut-off values, a variant classified as benign is not then subjected to further curation. The score for this variant resulted in a classification of benign for this disease.

NM_002294.3(LAMP2):c.*5048A>T

Gene: LAMP2 (lysosome associated membrane protein 2; minus strand). Cytogenetic location: Xq24.
Variant type: single nucleotide variant.
Coding change: c.*5048A>T on transcript NM_002294.3 (MANE Select); 5048 bases downstream of the stop codon, A replaced by T.
Molecular consequence: 3 prime UTR variant.
Genome position (GRCh38, 1-based): chrX:120,426,275, T>A on the plus strand (A>T on the coding strand, the complement: LAMP2 is on the minus strand). VCF-style: chrX-120426275-T-A. GRCh37 (hg19) VCF-style: chrX-119560130-T-A.
Other names: c.*2209A>T (NM_001122606.1).
Identifiers: ClinVar variation 367736 (VCV000367736.6), dbSNP rs113285013, ClinGen allele CA10651594.